The following is an entry in ClinVar:

ClinVar aggregate classification (germline): Uncertain significance. Review status: criteria provided, multiple submitters, no conflicts (2 of 4 stars). 2 submissions from 2 submitters: Uncertain significance (2). Last evaluated 2024-12-10.

Allele frequency attached by ClinVar (database versions not stated): TOPMed below 0.00001.

Submissions (2):

Ambry Genetics
Classification: Uncertain significance. Last evaluated: 2024-12-10. Review status: criteria provided, single submitter. Criteria: Ambry Variant Classification Scheme 2023. Collection method: clinical testing. Allele origin: germline.
Comment: The p.V377I variant (also known as c.1129G>A), located in coding exon 10 of the GEN1 gene, results from a G to A substitution at nucleotide position 1129. The valine at codon 377 is replaced by isoleucine, an amino acid with highly similar properties. This amino acid position is conserved. In addition, this alteration is predicted to be tolerated by in silico analysis. Based on the available evidence, the clinical significance of this variant remains unclear.

Labcorp Genetics (formerly Invitae), Labcorp
Classification: Uncertain significance. Last evaluated: 2020-06-26. Review status: criteria provided, single submitter. Criteria: Invitae Variant Classification Sherloc (09022015). Collection method: clinical testing. Allele origin: germline.
Comment: This sequence change replaces valine with isoleucine at codon 377 of the GEN1 protein (p.Val377Ile). The valine residue is moderately conserved and there is a small physicochemical difference between valine and isoleucine. In summary, the available evidence is currently insufficient to determine the role of this variant in disease. Therefore, it has been classified as a Variant of Uncertain Significance. Algorithms developed to predict the effect of missense changes on protein structure and function (SIFT, PolyPhen-2, Align-GVGD) all suggest that this variant is likely to be tolerated, but these predictions have not been confirmed by published functional studies and their clinical significance is uncertain. This variant has not been reported in the literature in individuals with GEN1-related conditions. This variant is not present in population databases (ExAC no frequency).

NM_001130009.3(GEN1):c.1129G>A (p.Val377Ile)

Gene: GEN1 (GEN1 structure-specific endonuclease; plus strand). Cytogenetic location: 2p24.2.
Variant type: single nucleotide variant.
Coding change: c.1129G>A on transcript NM_001130009.3 (MANE Select); coding-DNA position 1129, G replaced by A.
Protein change: p.Val377Ile; replaces valine 377 with isoleucine.
Molecular consequence: missense variant.
Genome position (GRCh38, 1-based): chr2:17,774,328, G>A. VCF-style: chr2-17774328-G-A. GRCh37 (hg19) VCF-style: chr2-17955595-G-A.
Other names: c.1129G>A (NM_001130009.1); c.1129G>A, p.Val377Ile (NM_182625.5); short protein forms V377I.
Identifiers: ClinVar variation 998466 (VCV000998466.10), dbSNP rs1271507978, ClinGen allele CA345920410.